The following is an entry in ClinVar:

ClinVar aggregate classification (germline): Uncertain significance (1 of 4 stars; one submission).

Conditions:
Severe X-linked myotubular myopathy (CNMX). Also called: Myotubular myopathy, X-linked; MYOTUBULAR MYOPATHY 1; X-linked centronuclear myopathy. Identifiers: Orphanet 596, MedGen C0410203, MONDO:0010683, OMIM 310400.

Submission:

Labcorp Genetics (formerly Invitae), Labcorp
Classification: Uncertain significance for Severe X-linked myotubular myopathy. Last evaluated: 2023-11-13. Review status: criteria provided, single submitter. Criteria: Invitae Variant Classification Sherloc (09022015). Collection method: clinical testing. Allele origin: germline.
Comment: This sequence change replaces valine, which is neutral and non-polar, with phenylalanine, which is neutral and non-polar, at codon 525 of the MTM1 protein (p.Val525Phe). This variant is not present in population databases (gnomAD no frequency). This variant has not been reported in the literature in individuals affected with MTM1-related conditions. ClinVar contains an entry for this variant (Variation ID: 2109643). Advanced modeling of protein sequence and biophysical properties (such as structural, functional, and spatial information, amino acid conservation, physicochemical variation, residue mobility, and thermodynamic stability) has been performed at Invitae for this missense variant, however the output from this modeling did not meet the statistical confidence thresholds required to predict the impact of this variant on MTM1 protein function. Algorithms developed to predict the effect of sequence changes on RNA splicing suggest that this variant may create or strengthen a splice site. In summary, the available evidence is currently insufficient to determine the role of this variant in disease. Therefore, it has been classified as a Variant of Uncertain Significance.

NM_000252.3(MTM1):c.1573G>T (p.Val525Phe)

Gene: MTM1 (myotubularin 1; plus strand). Cytogenetic location: Xq28.
Variant type: single nucleotide variant.
Coding change: c.1573G>T on transcript NM_000252.3 (MANE Select); coding-DNA position 1573, G replaced by T.
Protein change: p.Val525Phe; replaces valine 525 with phenylalanine.
Molecular consequence: missense variant.
Genome position (GRCh38, 1-based): chrX:150,663,538, G>T. VCF-style: chrX-150663538-G-T. GRCh37 (hg19) VCF-style: chrX-149832011-G-T.
Other names: c.1573G>T, p.Val525Phe (NM_001376906.1, NM_001376908.1); c.1462G>T, p.Val488Phe (NM_001376907.1); short protein forms V525F, V488F.
Identifiers: ClinVar variation 2109643 (VCV002109643.4), dbSNP rs2522460366, ClinGen allele CA415260315.